The following is an entry in ClinVar:

ClinVar aggregate classification (germline): Pathogenic/Likely pathogenic. Review status: criteria provided, multiple submitters, no conflicts (2 of 4 stars). 9 submissions from 8 submitters: Pathogenic (3); Likely pathogenic (3). 3 of the submissions do not count toward it. Last evaluated 2026-01-20.

Conditions:
Bronchiectasis with or without elevated sweat chloride 1 (BESC1). Also called: Cystic Fibrosis-Like Syndrome. Identifiers: Orphanet 60033, MedGen C2749757, MONDO:0008887, OMIM 211400.
CFTR-related disorder (CFTR-RD). Also called: CFTR-related disorders; CFTR-related condition. Identifiers: MedGen C5924204, MONDO:7770004.
Cystic fibrosis (CF). Also called: MUCOVISCIDOSIS. Identifiers: Orphanet 586, MedGen C0010674, MONDO:0009061, OMIM 219700. Disease mechanism: loss of function.

Allele frequency attached by ClinVar (database versions not stated): gnomAD exomes 0.00001; ExAC 0.00001.
gnomAD v4.1: 43 of 1,613,226 alleles (0.0027%); highest among the groups gnomAD compares: Non-Finnish European, 0.0036%; no homozygotes.

Submissions (9):

Natera, Inc.
Classification: Pathogenic for CFTR-related disorders. Last evaluated: 2026-01-20. Review status: criteria provided, single submitter. Criteria: Natera Variant Classification Schema (03/2026). Collection method: clinical testing. Allele origin: germline.
Comment: The c.3873G>C variant in CFTR is a missense variant predicted to cause substitution of glutamine to histidine at amino acid 1291. This variant is rare in the general population with a frequency below the threshold expected for the associated phenotype(s). This variant has been observed in one or more individuals affected with the associated recessive disease, as either homozygous or compound heterozygous with a second variant (PMID: 24149827, 21388895, 9507391, 1284466, 29944384). Functional studies show that this variant may disrupt protein function (PMID: 1284466). A different variant at the same position has been determined to be Pathogenic or Likely Pathogenic. Computational prediction algorithms indicate this variant is likely to affect gene or protein function. Given the available evidence, this variant is classified as Pathogenic.

Labcorp Genetics (formerly Invitae), Labcorp
Classification: Likely pathogenic for Cystic fibrosis. Last evaluated: 2023-07-08. Review status: criteria provided, single submitter. Criteria: Invitae Variant Classification Sherloc (09022015). Collection method: clinical testing. Allele origin: germline.
Comment: In summary, the currently available evidence indicates that the variant is pathogenic, but additional data are needed to prove that conclusively. Therefore, this variant has been classified as Likely Pathogenic. This sequence change replaces glutamine, which is neutral and polar, with histidine, which is basic and polar, at codon 1291 of the CFTR protein (p.Gln1291His). RNA analysis indicates that this missense change induces altered splicing and may result in an absent or disrupted protein product. This variant is present in population databases (rs121909015, gnomAD 0.002%). This missense change has been observed in individuals with clinical features of CFTR-related conditions (PMID: 1284466, 7551394, 21388895, 22423042). ClinVar contains an entry for this variant (Variation ID: 7152). An algorithm developed to predict the effect of missense changes on protein structure and function (PolyPhen-2) suggests that this variant is likely to be disruptive. Experimental studies are conflicting or provide insufficient evidence to determine the effect of this variant on CFTR function (PMID: 31127727). Variants that disrupt the consensus splice site are a relatively common cause of aberrant splicing (PMID: 17576681, 9536098). Studies have shown that this missense change results in activation of a cryptic splice site in the intron and introduces a premature termination codon (PMID: 1284466). The resulting mRNA is expected to undergo nonsense-mediated decay.

Baylor Genetics
Classification: Likely pathogenic for Bronchiectasis with or without elevated sweat chloride 1. Last evaluated: 2023-07-01. Review status: criteria provided, single submitter. Criteria: ACMG Guidelines, 2015. Collection method: clinical testing. Allele origin: unknown.

Ambry Genetics
Classification: Pathogenic for Cystic fibrosis. Last evaluated: 2020-04-29. Review status: criteria provided, single submitter. Criteria: Ambry Variant Classification Scheme 2023. Collection method: clinical testing. Allele origin: germline.
Comment: The c.3873G>C pathogenic mutation (also known as p.Q1291H), located in coding exon 23 of the CFTR gene, results from a G to C substitution at nucleotide position 3873. The amino acid change results in glutamine to histidine at codon 1291, an amino acid with highly similar properties. However, this change occurs in the last base pair of coding exon 23, which makes it likely to have some effect on normal mRNA splicing. Analysis of a biopsy from a pancreatic sufficient individual with mild lung symptoms who was compound heterozygous for p.Q1291H demonstrated normal and aberrant splicing resulting from use of a cryptic site leading to the inclusion of 29 nucleotides in the intron and a predicted premature stop codon (Jones CT et al. Hum. Mol. Genet., 1992 Apr;1:11-7). In addition, this mutation has been reported in several individuals with elevated sweat chloride levels in conjunction with another pathogenic CFTR variant (Jones CT et al. Hum. Mol. Genet., 1992 Apr;1:11-7; Gilfillan A et al. J. Med. Genet., 1998 Feb;35:122-5; Baker MW et al. J. Cyst. Fibros., 2011 Jul;10:278-81) and has been reported as a variant of varying clinical consequences (VVCC) (Sosnay PR et al. Pediatr. Clin. North Am., 2016 08;63:585-98; The Clinical and Functional TRanslation of CFTR (CFTR2); available at CFTR2. Accessed April 29, 2020). Based on the supporting evidence, this alteration is interpreted as a disease-causing mutation.

Genome Diagnostics Laboratory, The Hospital for Sick Children
Classification: Likely pathogenic for Cystic fibrosis. Last evaluated: 2020-03-02. Review status: criteria provided, single submitter. Criteria: ACMG Guidelines, 2015. Collection method: clinical testing. Allele origin: germline.

Women's Health and Genetics/Laboratory Corporation of America, LabCorp
Classification: Pathogenic. Last evaluated: 2018-09-07. Review status: criteria provided, single submitter. Criteria: LabCorp Variant Classification Summary - May 2015. Collection method: clinical testing. Allele origin: germline.
Comment: Variant summary: CFTR c.3873G>C (p.Gln1291His) results in a non-conservative amino acid change in the encoded protein sequence. The variant also alters a conserved nucleotide located to the last nucleotide of exon 20, affecting a canonical splice site and therefore could alter mRNA splicing, leading to a significantly altered protein sequence. Five of five in-silico tools predict a damaging effect of the variant on protein function. Several computational tools predict a significant impact on normal splicing: 4/5 predict the variant weakens a 5' splicing donor site. At least one publication reported experimental evidence that the variant resulted in both a 'correct' (although altered) splice product, and an incorrectly spliced mRNA from the use of a nearby cryptic splice site (29 bases into the adjacent intron), where the inclusion of the intronic sequence resulted in an in-frame, downstream stop codon (Jones1992). Another functional study demonstrated that the Gln1291His variant protein showed normal processing and trafficking to the plasma membrane, as well as unaltered single channel gating properties in the presence of ATP; however the data suggested the disruption of adenylate kinase-dependent gating that might affect channel activity in airway epithelia (Dong 2015). The variant allele was found at a frequency of 8.1e-06 in 245448 control chromosomes (gnomAD and publications). The variant, c.3873G>C, has been reported in the literature in multiple individuals affected with Cystic Fibrosis (Jones 1992, Dorfman 2010, Baker 2011). These data indicate that the variant is very likely to be associated with disease. One clinical diagnostic laboratory has submitted clinical-significance assessments for this variant to ClinVar after 2014 without evidence for independent evaluation and classified the variant as uncertain significance. Based on the evidence outlined above, the variant was classified as pathogenic.

Genome Diagnostics Laboratory, The Hospital for Sick Children
Classification: Likely pathogenic for CFTR-related disorders. Last evaluated: 2020-03-02. Review status: no assertion criteria provided. Collection method: clinical testing. Allele origin: germline. Not counted in ClinVar's aggregate classification.

Counsyl
Classification: Uncertain significance for Cystic fibrosis. Last evaluated: 2017-01-03. Review status: no assertion criteria provided. Collection method: clinical testing. Allele origin: unknown. Not counted in ClinVar's aggregate classification.

OMIM
Classification: Pathogenic for CYSTIC FIBROSIS. Last evaluated: 1992-04-01. Review status: no assertion criteria provided. Collection method: literature only. Allele origin: germline. Not counted in ClinVar's aggregate classification.

Literature cited by the submitters: PubMed 24149827 (cited by Natera, Inc.); PubMed 21388895 (cited by 5 submitters); PubMed 9507391 (cited by 4 submitters); PubMed 1284466 (cited by 6 submitters); PubMed 29944384 (cited by Natera, Inc.); PubMed 7551394 (cited by Labcorp Genetics (formerly Invitae), Labcorp and Women's Health and Genetics/Laboratory Corporation of America, LabCorp); PubMed 22423042 (cited by Labcorp Genetics (formerly Invitae), Labcorp); PubMed 31127727 (cited by Labcorp Genetics (formerly Invitae), Labcorp); PubMed 17576681 (cited by Labcorp Genetics (formerly Invitae), Labcorp); PubMed 9536098 (cited by Labcorp Genetics (formerly Invitae), Labcorp); PubMed 11788611 (cited by Ambry Genetics and Women's Health and Genetics/Laboratory Corporation of America, LabCorp); PubMed 1284534 (cited by Ambry Genetics and Women's Health and Genetics/Laboratory Corporation of America, LabCorp); PubMed 20059485 (cited by 3 submitters); PubMed 25887396 (cited by 3 submitters); PubMed 7513293 (cited by Ambry Genetics and Women's Health and Genetics/Laboratory Corporation of America, LabCorp); PubMed 7506096 (cited by Women's Health and Genetics/Laboratory Corporation of America, LabCorp); PubMed 7508414 (cited by Women's Health and Genetics/Laboratory Corporation of America, LabCorp).

NM_000492.4(CFTR):c.3873G>C (p.Gln1291His)

Genes: CFTR (CF transmembrane conductance regulator; plus strand), CFTR-AS2 (CFTR antisense RNA 2; minus strand). Cytogenetic location: 7q31.2.
Variant type: single nucleotide variant.
Coding change: c.3873G>C on transcript NM_000492.4 (MANE Select); coding-DNA position 3873, G replaced by C.
Protein change: p.Gln1291His; replaces glutamine 1291 with histidine.
Molecular consequence: missense variant.
Genome position (GRCh38, 1-based): chr7:117,642,593, G>C. VCF-style: chr7-117642593-G-C. GRCh37 (hg19) VCF-style: chr7-117282647-G-C.
Other names: short protein forms Q1291H.
Identifiers: ClinVar variation 7152 (VCV000007152.16), dbSNP rs121909015, ClinGen allele CA325548.